The following is an entry in ClinVar:

ClinVar aggregate classification (germline): Uncertain significance. Review status: criteria provided, multiple submitters, no conflicts (2 of 4 stars). 8 submissions from 6 submitters: Uncertain significance (8). Last evaluated 2025-08-20.

Conditions:
Retinitis pigmentosa 12 (RP12). Also called: RP WITH OR WITHOUT PPRPE; RP WITH OR WITHOUT PRESERVED PARAARTERIOLE RETINAL PIGMENT EPITHELIUM; RETINITIS PIGMENTOSA WITH OR WITHOUT PARAARTERIOLAR PRESERVATION OF RETINAL PIGMENT EPITHELIUM. Identifiers: Orphanet 791, MedGen C1838647, MONDO:0010818, OMIM 600105.
Leber congenital amaurosis 8 (LCA8). Identifiers: Orphanet 65, MedGen C3151202, MONDO:0013453, OMIM 613835.
Retinal dystrophy. Also called: Inherited retinal dystrophy. Identifiers: Orphanet 71862, MedGen C0854723, MeSH D058499, MONDO:0019118, HP:0000556.
CRB1-related disorder. Also called: CRB1-related condition; CRB1-related disorders.
Inborn genetic diseases. Identifiers: MedGen C0950123, MeSH D030342.
Pigmented paravenous retinochoroidal atrophy. Identifiers: Orphanet 251295, MedGen C1868310, MONDO:0008246, OMIM 172870.

Allele frequency attached by ClinVar (database versions not stated): gnomAD exomes 0.00004; gnomAD 0.00008; ExAC 0.00009; TOPMed 0.00012; 1000 Genomes Project 30x 0.00016; 1000 Genomes Project 0.00020.
gnomAD v4.1: 70 of 1,612,964 alleles (0.0043%); highest among the groups gnomAD compares: East Asian, 0.14%; no homozygotes.

Submissions (8):

Ambry Genetics
Classification: Uncertain significance for Inborn genetic diseases. Last evaluated: 2025-08-20. Review status: criteria provided, single submitter. Criteria: Ambry Variant Classification Scheme 2023. Collection method: clinical testing. Allele origin: germline.

3billion
Classification: Uncertain significance for CRB1-related disorder. Last evaluated: 2025-03-14. Review status: criteria provided, single submitter. Criteria: ACMG Guidelines, 2015. Collection method: clinical testing. Allele origin: germline. Affected: yes.

Blueprint Genetics
Classification: Uncertain significance. Last evaluated: 2024-10-03. Review status: criteria provided, single submitter. Criteria: ACMG Guidelines, 2015. Collection method: clinical testing. Allele origin: germline.

Labcorp Genetics (formerly Invitae), Labcorp
Classification: Uncertain significance for Leber congenital amaurosis 8; Retinitis pigmentosa 12. Last evaluated: 2024-01-24. Review status: criteria provided, single submitter. Criteria: Invitae Variant Classification Sherloc (09022015). Collection method: clinical testing. Allele origin: germline.
Comment: This sequence change replaces threonine, which is neutral and polar, with arginine, which is basic and polar, at codon 1275 of the CRB1 protein (p.Thr1275Arg). This variant is present in population databases (rs138089138, gnomAD 0.1%). This variant has not been reported in the literature in individuals affected with CRB1-related conditions. ClinVar contains an entry for this variant (Variation ID: 2078232). Advanced modeling of protein sequence and biophysical properties (such as structural, functional, and spatial information, amino acid conservation, physicochemical variation, residue mobility, and thermodynamic stability) performed at Invitae indicates that this missense variant is expected to disrupt CRB1 protein function with a positive predictive value of 80%. In summary, the available evidence is currently insufficient to determine the role of this variant in disease. Therefore, it has been classified as a Variant of Uncertain Significance.

Dept Of Ophthalmology, Nagoya University
Classification: Uncertain significance for Retinal dystrophy. Last evaluated: 2023-10-01. Review status: criteria provided, single submitter. Criteria: Submitter's publication. Collection method: research. Allele origin: germline. Affected: yes.

Genome-Nilou Lab
Classification: Uncertain significance for Leber congenital amaurosis 8. Last evaluated: 2023-04-11. Review status: criteria provided, single submitter. Criteria: ACMG Guidelines, 2015. Collection method: clinical testing. Allele origin: germline. Affected: no.

Genome-Nilou Lab
Classification: Uncertain significance for Pigmented paravenous retinochoroidal atrophy. Last evaluated: 2023-04-11. Review status: criteria provided, single submitter. Criteria: ACMG Guidelines, 2015. Collection method: clinical testing. Allele origin: germline. Affected: no.

Genome-Nilou Lab
Classification: Uncertain significance for Retinitis pigmentosa 12. Last evaluated: 2023-04-11. Review status: criteria provided, single submitter. Criteria: ACMG Guidelines, 2015. Collection method: clinical testing. Allele origin: germline. Affected: no.

NM_201253.3(CRB1):c.3824C>G (p.Thr1275Arg)

Gene: CRB1 (crumbs cell polarity complex component 1; plus strand). Cytogenetic location: 1q31.3.
Variant type: single nucleotide variant.
Coding change: c.3824C>G on transcript NM_201253.3 (MANE Select); coding-DNA position 3824, C replaced by G.
Protein change: p.Thr1275Arg; replaces threonine 1275 with arginine.
Molecular consequence: missense variant. On other transcripts: non-coding transcript variant (2).
Genome position (GRCh38, 1-based): chr1:197,438,621, C>G. VCF-style: chr1-197438621-C-G. GRCh37 (hg19) VCF-style: chr1-197407751-C-G.
Other names: c.3488C>G, p.Thr1163Arg (NM_001193640.2); c.3752C>G, p.Thr1251Arg (NM_001257965.2); c.2216C>G, p.Thr739Arg (NM_001257966.2); c.3824C>G (NM_201253.2); short protein forms T1163R, T1251R, T1275R, T739R.
Identifiers: ClinVar variation 2078232 (VCV002078232.9), dbSNP rs138089138, ClinGen allele CA1312409.